The following is an entry in ClinVar:

NM_000384.3(APOB):c.9160G>C (p.Gly3054Arg)

Gene: APOB (apolipoprotein B; minus strand). Cytogenetic location: 2p24.1.
Variant type: single nucleotide variant.
Coding change: c.9160G>C on transcript NM_000384.3 (MANE Select); coding-DNA position 9160, G replaced by C.
Protein change: p.Gly3054Arg; replaces glycine 3054 with arginine.
Molecular consequence: missense variant.
Genome position (GRCh38, 1-based): chr2:21,007,708, C>G on the plus strand (G>C on the coding strand, the complement: APOB is on the minus strand). VCF-style: chr2-21007708-C-G. GRCh37 (hg19) VCF-style: chr2-21230580-C-G.
Other names: short protein forms G3054R.
Identifiers: ClinVar variation 2939865 (VCV002939865.4), dbSNP rs1358164421, ClinGen allele CA345990915.

ClinVar aggregate classification (germline): Uncertain significance. Review status: criteria provided, multiple submitters, no conflicts (2 of 4 stars). 2 submissions from 2 submitters: Uncertain significance (2). Last evaluated 2026-07-01.

Conditions:
Familial hypercholesterolemia. Also called: Familial hypercholesterolemias; Familial hypercholesterolaemia. Identifiers: MedGen C0020445, MONDO:0005439.
Familial hypobetalipoproteinemia 1. Also called: APOB-Related Familial Hypobetalipoproteinemia; Hypobetalipoproteinemia, normotriglyceridemic; Acanthocytosis with hypobetalipoproteinemia. Identifiers: MedGen C4551990, MONDO:0014252, OMIM 615558.
Hypercholesterolemia, autosomal dominant, type B (FHCL2). Also called: Familial Hypercholesterolemia Type B; APOLIPOPROTEIN B-100, FAMILIAL DEFECTIVE; APOLIPOPROTEIN B-100, FAMILIAL LIGAND-DEFECTIVE; HYPERCHOLESTEROLEMIA, FAMILIAL, DUE TO LIGAND-DEFECTIVE APOLIPOPROTEIN B; Hyperlipoproteinemia Type IIb; Familial hypercholesterolemia 2. Identifiers: MedGen C1704417, MONDO:0007751, OMIM 144010.

Submissions (2):

Cambridge Genomics Laboratory, East Genomic Laboratory Hub, NHS Genomic Medicine Service
Classification: Uncertain significance for Familial hypercholesterolaemia. Last evaluated: 2026-07-01. Review status: criteria provided, single submitter. Criteria: ACGS Best Practice Guidelines for Variant Classification in Rare Disease 2020. Collection method: clinical testing. Allele origin: germline. Affected: yes.
Comment: PM2_Supporting

Labcorp Genetics (formerly Invitae), Labcorp
Classification: Uncertain significance for Familial hypobetalipoproteinemia 1; Hypercholesterolemia, autosomal dominant, type B. Last evaluated: 2023-07-31. Review status: criteria provided, single submitter. Criteria: Invitae Variant Classification Sherloc (09022015). Collection method: clinical testing. Allele origin: germline.
Comment: This sequence change replaces glycine, which is neutral and non-polar, with arginine, which is basic and polar, at codon 3054 of the APOB protein (p.Gly3054Arg). This variant is not present in population databases (gnomAD no frequency). This variant has not been reported in the literature in individuals affected with APOB-related conditions. Advanced modeling of protein sequence and biophysical properties (such as structural, functional, and spatial information, amino acid conservation, physicochemical variation, residue mobility, and thermodynamic stability) performed at Invitae indicates that this missense variant is not expected to disrupt APOB protein function. In summary, the available evidence is currently insufficient to determine the role of this variant in disease. Therefore, it has been classified as a Variant of Uncertain Significance.